The following is an entry in ClinVar:

NM_001046.3(SLC12A2):c.3550A>G (p.Met1184Val)

Gene: SLC12A2 (solute carrier family 12 member 2; plus strand). Cytogenetic location: 5q23.3.
Variant type: single nucleotide variant.
Coding change: c.3550A>G on transcript NM_001046.3 (MANE Select); coding-DNA position 3550, A replaced by G.
Protein change: p.Met1184Val; replaces methionine 1184 with valine.
Molecular consequence: missense variant. On other transcripts: non-coding transcript variant (1).
Genome position (GRCh38, 1-based): chr5:128,186,542, A>G. VCF-style: chr5-128186542-A-G. GRCh37 (hg19) VCF-style: chr5-127522234-A-G.
Other names: c.3502A>G, p.Met1168Val (NM_001256461.2); short protein forms M1168V, M1184V.
Identifiers: ClinVar variation 3253024 (VCV003253024.1), dbSNP rs1476029777.

ClinVar aggregate classification (germline): Uncertain significance (1 of 4 stars; one submission).

Allele frequency attached by ClinVar (database versions not stated): gnomAD exomes below 0.00001.

Submission:

GeneDx
Classification: Uncertain significance. Last evaluated: 2023-10-06. Review status: criteria provided, single submitter. Criteria: GeneDx Variant Classification Process June 2021. Collection method: clinical testing. Allele origin: germline. Affected: yes.
Comment: Not observed at significant frequency in large population cohorts (gnomAD); In silico analysis supports that this missense variant has a deleterious effect on protein structure/function; Has not been previously published as pathogenic or benign to our knowledge